The following is an entry in ClinVar:

NM_004341.5(CAD):c.1123A>T (p.Thr375Ser)

Gene: CAD (carbamoyl-phosphate synthetase 2, aspartate transcarbamylase, and dihydroorotase; plus strand). Cytogenetic location: 2p23.3.
Variant type: single nucleotide variant.
Coding change: c.1123A>T on transcript NM_004341.5 (MANE Select); coding-DNA position 1123, A replaced by T.
Protein change: p.Thr375Ser; replaces threonine 375 with serine.
Molecular consequence: missense variant.
Genome position (GRCh38, 1-based): chr2:27,224,359, A>T. VCF-style: chr2-27224359-A-T. GRCh37 (hg19) VCF-style: chr2-27447227-A-T.
Other names: c.1123A>T, p.Thr375Ser (NM_001306079.2); short protein forms T375S.
Identifiers: ClinVar variation 1412238 (VCV001412238.7), dbSNP rs2148063054, ClinGen allele CA346203296.

ClinVar aggregate classification (germline): Uncertain significance (1 of 4 stars; one submission).

Submission:

Labcorp Genetics (formerly Invitae), Labcorp
Classification: Uncertain significance. Last evaluated: 2024-01-25. Review status: criteria provided, single submitter. Criteria: Invitae Variant Classification Sherloc (09022015). Collection method: clinical testing. Allele origin: germline.
Comment: This sequence change replaces threonine, which is neutral and polar, with serine, which is neutral and polar, at codon 375 of the CAD protein (p.Thr375Ser). This variant is not present in population databases (gnomAD no frequency). This variant has not been reported in the literature in individuals affected with CAD-related conditions. ClinVar contains an entry for this variant (Variation ID: 1412238). Algorithms developed to predict the effect of missense changes on protein structure and function output the following: SIFT: "Not Available"; PolyPhen-2: "Benign"; Align-GVGD: "Not Available". The serine amino acid residue is found in multiple mammalian species, which suggests that this missense change does not adversely affect protein function. In summary, the available evidence is currently insufficient to determine the role of this variant in disease. Therefore, it has been classified as a Variant of Uncertain Significance.